The following is an entry in ClinVar:

NM_001205293.3(CACNA1E):c.1843G>A (p.Val615Ile)

Gene: CACNA1E (calcium voltage-gated channel subunit alpha1 E; plus strand). Cytogenetic location: 1q25.3.
Variant type: single nucleotide variant.
Coding change: c.1843G>A on transcript NM_001205293.3 (MANE Select); coding-DNA position 1843, G replaced by A.
Protein change: p.Val615Ile; replaces valine 615 with isoleucine.
Molecular consequence: missense variant.
Genome position (GRCh38, 1-based): chr1:181,720,297, G>A. VCF-style: chr1-181720297-G-A. GRCh37 (hg19) VCF-style: chr1-181689433-G-A.
Other names: c.1843G>A, p.Val615Ile (NM_000721.4, NM_001205294.2); c.1843G>A (NM_000721.3); short protein forms V615I.
Identifiers: ClinVar variation 1438863 (VCV001438863.9), dbSNP rs746915512, ClinGen allele CA1275193.
Genomic context (GRCh38, chr1:181,720,297, plus strand): 5'-TCCTTGATGAGCTCAATGAAGTCTATCATCAGTTTGCTTTTCCTCCTCTTCCTCTTCATC[G>A]TTGTCTTTGCTCTCCTAGGAATGCAGTTATTTGGAGGCAGGTAAGTGCCCAGAAGCTTTC-3'
Protein context (NP_001192222.1, residues 605-625): SLLFLLFLFI[Val615Ile]VFALLGMQLF

ClinVar aggregate classification (germline): Uncertain significance. Review status: criteria provided, multiple submitters, no conflicts (2 of 4 stars). 3 submissions from 3 submitters: Uncertain significance (2). 1 of the submissions does not count toward it. Last evaluated 2023-08-30.

Conditions:
Developmental and epileptic encephalopathy, 69. Also called: EPILEPTIC ENCEPHALOPATHY, EARLY INFANTILE, 69. Identifiers: MedGen C4748988, MONDO:0032657, OMIM 618285.
CACNA1E-related disorder. Also called: CACNA1E-related condition.

Allele frequency attached by ClinVar (database versions not stated): gnomAD 0.00001; gnomAD exomes 0.00001 and 0.00002; ExAC 0.00002; TOPMed 0.00003.
gnomAD v4.1: 31 of 1,613,530 alleles (0.0019%); highest among the groups gnomAD compares: Non-Finnish European, 0.0023%; no homozygotes.

Submissions (3):

Labcorp Genetics (formerly Invitae), Labcorp
Classification: Uncertain significance. Last evaluated: 2023-08-30. Review status: criteria provided, single submitter. Criteria: Invitae Variant Classification Sherloc (09022015). Collection method: clinical testing. Allele origin: germline.
Comment: ClinVar contains an entry for this variant (Variation ID: 1438863). In summary, the available evidence is currently insufficient to determine the role of this variant in disease. Therefore, it has been classified as a Variant of Uncertain Significance. Advanced modeling of protein sequence and biophysical properties (such as structural, functional, and spatial information, amino acid conservation, physicochemical variation, residue mobility, and thermodynamic stability) has been performed at Invitae for this missense variant, however the output from this modeling did not meet the statistical confidence thresholds required to predict the impact of this variant on CACNA1E protein function. This variant has not been reported in the literature in individuals affected with CACNA1E-related conditions. This variant is present in population databases (rs746915512, gnomAD 0.003%). This sequence change replaces valine, which is neutral and non-polar, with isoleucine, which is neutral and non-polar, at codon 615 of the CACNA1E protein (p.Val615Ile).

Genome-Nilou Lab
Classification: Uncertain significance for Developmental and epileptic encephalopathy, 69. Last evaluated: 2023-04-11. Review status: criteria provided, single submitter. Criteria: ACMG Guidelines, 2015. Collection method: clinical testing. Allele origin: germline. Affected: no.

PreventionGenetics, part of Exact Sciences
Classification: Uncertain significance for CACNA1E-related condition. Last evaluated: 2023-11-21. Review status: no assertion criteria provided. Collection method: clinical testing. Allele origin: germline. Not counted in ClinVar's aggregate classification.
Comment: The CACNA1E c.1843G>A variant is predicted to result in the amino acid substitution p.Val615Ile. To our knowledge, this variant has not been reported in the literature. This variant is reported in 0.0027% of alleles in individuals of European (Non-Finnish) descent in gnomAD. At this time, the clinical significance of this variant is uncertain due to the absence of conclusive functional and genetic evidence.